The following is an entry in ClinVar:

ClinVar aggregate classification (germline): Uncertain significance (1 of 4 stars; one submission).

gnomAD v4.1: 4 of 1,614,126 alleles (0.00025%); highest among the groups gnomAD compares: Non-Finnish European, 0.00025%; no homozygotes.

Submission:

Ambry Genetics
Classification: Uncertain significance. Last evaluated: 2022-09-26. Review status: criteria provided, single submitter. Criteria: Ambry Variant Classification Scheme 2023. Collection method: clinical testing. Allele origin: germline.
Comment: The p.P406L variant (also known as c.1217C>T), located in coding exon 5 of the EGLN2 gene, results from a C to T substitution at nucleotide position 1217. The proline at codon 406 is replaced by leucine, an amino acid with similar properties. This amino acid position is conserved. In addition, the in silico prediction for this alteration is inconclusive. Since supporting evidence is limited at this time, the clinical significance of this alteration remains unclear.

NM_080732.4(EGLN2):c.1217C>T (p.Pro406Leu)

Genes: EGLN2 (egl-9 family hypoxia inducible factor 2; plus strand), RAB4B-EGLN2 (RAB4B-EGLN2 readthrough (NMD candidate); plus strand). Cytogenetic location: 19q13.2.
Variant type: single nucleotide variant.
Coding change: c.1217C>T on transcript NM_080732.4 (MANE Select); coding-DNA position 1217, C replaced by T.
Protein change: p.Pro406Leu; replaces proline 406 with leucine.
Molecular consequence: missense variant. On other transcripts: non-coding transcript variant (1).
Genome position (GRCh38, 1-based): chr19:40,807,857, C>T. VCF-style: chr19-40807857-C-T. GRCh37 (hg19) VCF-style: chr19-41313762-C-T.
Other names: c.1217C>T, p.Pro406Leu (NM_053046.4); short protein forms P406L.
Identifiers: ClinVar variation 1751954 (VCV001751954.2), dbSNP rs1322173802, ClinGen allele CA405956957.